The following is an entry in ClinVar:

NM_004260.4(RECQL4):c.1711G>A (p.Ala571Thr)

Gene: RECQL4 (RecQ like helicase 4; minus strand). Cytogenetic location: 8q24.3.
Variant type: single nucleotide variant.
Coding change: c.1711G>A on transcript NM_004260.4 (MANE Select); coding-DNA position 1711, G replaced by A.
Protein change: p.Ala571Thr; replaces alanine 571 with threonine.
Molecular consequence: missense variant. On other transcripts: non-coding transcript variant (3), intron variant (3).
Genome position (GRCh38, 1-based): chr8:144,514,356, C>T on the plus strand (G>A on the coding strand, the complement: RECQL4 is on the minus strand). VCF-style: chr8-144514356-C-T. GRCh37 (hg19) VCF-style: chr8-145739740-C-T.
Other names: c.1360G>A, p.Ala454Thr (NM_001413029.1); c.574G>A, p.Ala192Thr (NM_001413030.1, NM_001413032.1, NM_001413041.1 and 1 more transcripts); c.640G>A, p.Ala214Thr (NM_001413034.1, NM_001413035.1, NM_001413038.1 and 6 more transcripts); c.1711G>A, p.Ala571Thr (NM_001413036.1, NM_001413018.1, NM_001413019.1); c.1681G>A, p.Ala561Thr (NM_001413039.1); c.1615G>A, p.Ala539Thr (NM_001413017.1, NM_001413020.1); c.1582G>A, p.Ala528Thr (NM_001413025.1); c.610G>A, p.Ala204Thr (NM_001413042.1); and 4 more; short protein forms A571T, A214T, A528T, A561T, A82T, A192T, A204T, A454T.
Identifiers: ClinVar variation 4628941 (VCV004628941.1).

ClinVar aggregate classification (germline): Uncertain significance (1 of 4 stars; one submission).

Conditions:
Inborn genetic diseases. Identifiers: MedGen C0950123, MeSH D030342.

Submission:

Ambry Genetics
Classification: Uncertain significance for Inborn genetic diseases. Last evaluated: 2025-10-06. Review status: criteria provided, single submitter. Criteria: Ambry Variant Classification Scheme 2023. Collection method: clinical testing. Allele origin: germline.
Comment: The p.A571T variant (also known as c.1711G>A), located in coding exon 11 of the RECQL4 gene, results from a G to A substitution at nucleotide position 1711. The alanine at codon 571 is replaced by threonine, an amino acid with similar properties. This amino acid position is conserved. In addition, this alteration is predicted to be tolerated by in silico analysis. Based on the available evidence, the clinical significance of this variant remains unclear.